The following is an entry in ClinVar:

NM_000261.2(MYOC):c.1288T>C (p.Phe430Leu)

Gene: MYOC (myocilin; minus strand). Cytogenetic location: 1q24.3.
Variant type: single nucleotide variant.
Coding change: c.1288T>C on transcript NM_000261.2 (MANE Select); coding-DNA position 1288, T replaced by C.
Protein change: p.Phe430Leu; replaces phenylalanine 430 with leucine.
Molecular consequence: missense variant.
Genome position (GRCh38, 1-based): chr1:171,636,152, A>G on the plus strand (T>C on the coding strand, the complement: MYOC is on the minus strand). VCF-style: chr1-171636152-A-G. GRCh37 (hg19) VCF-style: chr1-171605292-A-G.
Other names: short protein forms F430L.
Identifiers: ClinVar variation 1698837 (VCV001698837.5), dbSNP rs1652914106, ClinGen allele CA343724007.

ClinVar aggregate classification (germline): Uncertain significance. Review status: reviewed by expert panel (3 of 4 stars). 2 submissions from 2 submitters: Uncertain significance (1). 1 of the submissions does not count toward it. Last evaluated 2026-02-04.

Conditions:
Open-angle glaucoma. Identifiers: MedGen C0017612, MONDO:0005338, HP:0012108.
Glaucoma 1, open angle, A (GLC1A). Also called: Glaucoma, Dominant (Juvenile Onset). Identifiers: Orphanet 98977, MedGen C1842028, MONDO:0007664, OMIM 137750.

Allele frequency attached by ClinVar (database versions not stated): gnomAD 0.00001; gnomAD exomes 0.00001.
gnomAD v4.1: 6 of 1,614,034 alleles (0.00037%); highest among the groups gnomAD compares: Non-Finnish European, 0.00051%; no homozygotes.

Submissions (2):

ClinGen Glaucoma Variant Curation Expert Panel
Classification: Uncertain significance for Open-angle glaucoma. Last evaluated: 2026-02-04. Review status: reviewed by expert panel. Criteria: ClinGen Glaucoma ACMG Specifications V2.0.0 Approved. Collection method: curation. Allele origin: germline. Inheritance: Autosomal dominant inheritance.
Comment: The c.1288T>C variant in MYOC is a missense variant predicted to cause substitution of Phenylalanine by Leucine at amino acid 430 (p.Phe430Leu). The highest minor allele frequency of this variant was in the European (non-Finnish) genetic ancestry group of gnomAD (v4.1.0) = 0.000005085 (6 alleles out of 1,180,034), which met the ≤ 0.0001 threshold set for PM2_Supporting in a genetic ancestry group of at least 10,000 alleles. The REVEL score = 0.925, which was within the 0.773-0.931 range for PP3_Moderate, predicting a damaging effect on MYOC function. The assay in this study (PMID: 17960117), measuring solubility and secretion of the Phe430Leu protein, did not meet the OddsPath threshold for PS3_Supporting (> 2.1). 3 segregations in 2 families, with primary open angle glaucoma (POAG), have been reported (PMID: 17960117), which fulfilled PP1 (3-4 meioses). 3 probands with POAG have been reported carrying this variant (PMID: 17960117, ANZRAG), which met PS4_Supporting (≥ 2 probands). In summary, this variant met the criteria to receive a score of 5 and to be classified as a variant of uncertain significance (uncertain significance classification range -1 to 5, adapted from PMID: 32720330) for primary open angle glaucoma based on the ACMG/AMP criteria met, as specified by the ClinGen Glaucoma VCEP (v2.0.0, 5 Dec 2024): PP3_Moderate, PP1, PS4_Supporting, PM2_Supporting.

Genetics and Molecular Pathology, SA Pathology
Classification: Uncertain significance for Glaucoma 1, open angle, A. Last evaluated: 2022-02-16. Review status: criteria provided, single submitter. Criteria: ACMG Guidelines, 2015. Collection method: clinical testing. Allele origin: germline. Affected: yes. Not counted in ClinVar's aggregate classification.